The following is an entry in ClinVar:

ClinVar aggregate classification (germline): Uncertain significance (1 of 4 stars; one submission).

Conditions:
Hereditary cancer-predisposing syndrome. Also called: Neoplastic Syndromes, Hereditary; Tumor predisposition; Hereditary Cancer Syndrome; Hereditary neoplastic syndrome. Identifiers: Orphanet 140162, MedGen C0027672, MeSH D009386, MONDO:0015356.

Submission:

Ambry Genetics
Classification: Uncertain significance for Hereditary cancer-predisposing syndrome. Last evaluated: 2026-02-15. Review status: criteria provided, single submitter. Criteria: Ambry Variant Classification Scheme 2023. Collection method: clinical testing. Allele origin: germline.
Comment: The p.E24Q variant (also known as c.70G>C), located in coding exon 1 of the CDC73 gene, results from a G to C substitution at nucleotide position 70. The glutamic acid at codon 24 is replaced by glutamine, an amino acid with highly similar properties. This amino acid position is conserved. In addition, the in silico prediction for this alteration is inconclusive. Based on the available evidence, the clinical significance of this variant remains unclear.

NM_024529.5(CDC73):c.70G>C (p.Glu24Gln)

Gene: CDC73 (cell division cycle 73; plus strand). Cytogenetic location: 1q31.2.
Variant type: single nucleotide variant.
Coding change: c.70G>C on transcript NM_024529.5 (MANE Select); coding-DNA position 70, G replaced by C.
Protein change: p.Glu24Gln; replaces glutamic acid 24 with glutamine.
Molecular consequence: missense variant.
Genome position (GRCh38, 1-based): chr1:193,122,270, G>C. VCF-style: chr1-193122270-G-C. GRCh37 (hg19) VCF-style: chr1-193091400-G-C.
Other names: short protein forms E24Q.
Identifiers: ClinVar variation 4827879 (VCV004827879.1).